The following is an entry in ClinVar:

NM_012073.5(CCT5):c.1378A>G (p.Met460Val)

Gene: CCT5 (chaperonin containing TCP1 subunit 5; plus strand). Cytogenetic location: 5p15.2.
Variant type: single nucleotide variant.
Coding change: c.1378A>G on transcript NM_012073.5 (MANE Select); coding-DNA position 1378, A replaced by G.
Protein change: p.Met460Val; replaces methionine 460 with valine.
Molecular consequence: missense variant.
Genome position (GRCh38, 1-based): chr5:10,263,194, A>G. VCF-style: chr5-10263194-A-G. GRCh37 (hg19) VCF-style: chr5-10263306-A-G.
Other names: c.1315A>G, p.Met439Val (NM_001306153.1); c.1213A>G, p.Met405Val (NM_001306154.2); c.1099A>G, p.Met367Val (NM_001306155.2); c.1264A>G, p.Met422Val (NM_001306156.2); short protein forms M367V, M405V, M422V, M439V, M460V.
Identifiers: ClinVar variation 1037636 (VCV001037636.8), dbSNP rs780975626, ClinGen allele CA3198356.

ClinVar aggregate classification (germline): Uncertain significance (1 of 4 stars; one submission).

Conditions:
Hereditary sensory and autonomic neuropathy with spastic paraplegia (HSNSP). Identifiers: Orphanet 139578, MedGen C1850395, MONDO:0009748, OMIM 256840.

Allele frequency attached by ClinVar (database versions not stated): ExAC 0.00001; gnomAD exomes 0.00001; TOPMed 0.00001; gnomAD 0.00002.
gnomAD v4.1: 8 of 1,614,066 alleles (0.0005%); highest among the groups gnomAD compares: Non-Finnish European, 0.00068%; no homozygotes.

Submission:

Labcorp Genetics (formerly Invitae), Labcorp
Classification: Uncertain significance for Hereditary sensory and autonomic neuropathy with spastic paraplegia. Last evaluated: 2022-06-22. Review status: criteria provided, single submitter. Criteria: Invitae Variant Classification Sherloc (09022015). Collection method: clinical testing. Allele origin: germline.
Comment: This variant has not been reported in the literature in individuals affected with CCT5-related conditions. This sequence change replaces methionine, which is neutral and non-polar, with valine, which is neutral and non-polar, at codon 460 of the CCT5 protein (p.Met460Val). This variant is present in population databases (rs780975626, gnomAD 0.005%). ClinVar contains an entry for this variant (Variation ID: 1037636). Algorithms developed to predict the effect of missense changes on protein structure and function are either unavailable or do not agree on the potential impact of this missense change (SIFT: "Deleterious"; PolyPhen-2: "Not Available"; Align-GVGD: "Class C0"). In summary, the available evidence is currently insufficient to determine the role of this variant in disease. Therefore, it has been classified as a Variant of Uncertain Significance.